The following is an entry in ClinVar:

ClinVar aggregate classification (germline): Uncertain significance. Review status: criteria provided, multiple submitters, no conflicts (2 of 4 stars). 2 submissions from 2 submitters: Uncertain significance (2). Last evaluated 2022-01-27.

Conditions:
Hereditary cancer-predisposing syndrome. Also called: Neoplastic Syndromes, Hereditary; Hereditary neoplastic syndrome; Tumor predisposition; Hereditary Cancer Syndrome. Identifiers: Orphanet 140162, MedGen C0027672, MeSH D009386, MONDO:0015356.
Tuberous sclerosis 2 (TSC2). Identifiers: Orphanet 805, MedGen C1860707, MONDO:0013199, OMIM 613254.

Submissions (2):

Labcorp Genetics (formerly Invitae), Labcorp
Classification: Uncertain significance for Tuberous sclerosis 2. Last evaluated: 2022-01-27. Review status: criteria provided, single submitter. Criteria: Invitae Variant Classification Sherloc (09022015). Collection method: clinical testing. Allele origin: germline.
Comment: In summary, the available evidence is currently insufficient to determine the role of this variant in disease. Therefore, it has been classified as a Variant of Uncertain Significance. This sequence change replaces proline, which is neutral and non-polar, with arginine, which is basic and polar, at codon 952 of the TSC2 protein (p.Pro952Arg). This variant is not present in population databases (gnomAD no frequency). This variant has not been reported in the literature in individuals affected with TSC2-related conditions. ClinVar contains an entry for this variant (Variation ID: 842593). Advanced modeling of protein sequence and biophysical properties (such as structural, functional, and spatial information, amino acid conservation, physicochemical variation, residue mobility, and thermodynamic stability) performed at Invitae indicates that this missense variant is not expected to disrupt TSC2 protein function.

Ambry Genetics
Classification: Uncertain significance for Hereditary cancer-predisposing syndrome. Last evaluated: 2020-10-01. Review status: criteria provided, single submitter. Criteria: Ambry Variant Classification Scheme 2023. Collection method: clinical testing. Allele origin: germline.
Comment: The p.P952R variant (also known as c.2855C>G), located in coding exon 25 of the TSC2 gene, results from a C to G substitution at nucleotide position 2855. The proline at codon 952 is replaced by arginine, an amino acid with dissimilar properties. This amino acid position is not well conserved in available vertebrate species. In addition, the in silico prediction for this alteration is inconclusive. Since supporting evidence is limited at this time, the clinical significance of this alteration remains unclear.

NM_000548.5(TSC2):c.2855C>G (p.Pro952Arg)

Gene: TSC2 (TSC complex subunit 2; plus strand). Cytogenetic location: 16p13.3.
Variant type: single nucleotide variant.
Coding change: c.2855C>G on transcript NM_000548.5 (MANE Select); coding-DNA position 2855, C replaced by G.
Protein change: p.Pro952Arg; replaces proline 952 with arginine.
Molecular consequence: missense variant. On other transcripts: intron variant (9).
Genome position (GRCh38, 1-based): chr16:2,077,615, C>G. VCF-style: chr16-2077615-C-G. GRCh37 (hg19) VCF-style: chr16-2127616-C-G.
Other names: c.2855C>G, p.Pro952Arg (NM_001114382.3); c.2837+1030C>G (NM_021055.3, NM_001370405.1, NM_001363528.2 and 2 more transcripts); c.2726+1030C>G (NM_001318827.2); c.2237+1030C>G (NM_001318831.2); c.2690+1030C>G (NM_001318829.2); c.2870+1030C>G (NM_001318832.2); short protein forms P952R.
Identifiers: ClinVar variation 842593 (VCV000842593.12), dbSNP rs2089578491, ClinGen allele CA394280824.